The following is an entry in ClinVar:

NM_000465.4(BARD1):c.1060T>C (p.Ser354Pro)

Gene: BARD1 (BRCA1 associated RING domain 1; minus strand). Cytogenetic location: 2q35.
Variant type: single nucleotide variant.
Coding change: c.1060T>C on transcript NM_000465.4 (MANE Select); coding-DNA position 1060, T replaced by C.
Protein change: p.Ser354Pro; replaces serine 354 with proline.
Molecular consequence: missense variant. On other transcripts: non-coding transcript variant (2), intron variant (3).
Genome position (GRCh38, 1-based): chr2:214,780,814, A>G on the plus strand (T>C on the coding strand, the complement: BARD1 is on the minus strand). VCF-style: chr2-214780814-A-G. GRCh37 (hg19) VCF-style: chr2-215645538-A-G.
Other names: c.1003T>C, p.Ser335Pro (NM_001282543.2); c.159-28259T>C (NM_001282548.2); c.215+16247T>C (NM_001282545.2); c.364+11483T>C (NM_001282549.2); short protein forms S354P, S335P.
Identifiers: ClinVar variation 5032799 (VCV005032799.1).

ClinVar aggregate classification (germline): Uncertain significance (1 of 4 stars; one submission).

Conditions:
Hereditary cancer-predisposing syndrome. Also called: Neoplastic Syndromes, Hereditary; Tumor predisposition; Hereditary neoplastic syndrome; Hereditary Cancer Syndrome. Identifiers: Orphanet 140162, MedGen C0027672, MeSH D009386, MONDO:0015356.

Submission:

Ambry Genetics
Classification: Uncertain significance for Hereditary cancer-predisposing syndrome. Last evaluated: 2026-07-07. Review status: criteria provided, single submitter. Criteria: Ambry Variant Classification Scheme 2023. Collection method: clinical testing. Allele origin: germline.
Comment: The p.S354P variant (also known as c.1060T>C), located in coding exon 4 of the BARD1 gene, results from a T to C substitution at nucleotide position 1060. The serine at codon 354 is replaced by proline, an amino acid with similar properties. This amino acid position is conserved. In addition, this alteration is predicted to be tolerated by in silico analysis. Based on the available evidence, the clinical significance of this variant remains unclear.